The following is an entry in ClinVar:

NM_001375.3(DNASE2):c.287A>G (p.Asn96Ser)

Gene: DNASE2 (deoxyribonuclease 2, lysosomal; minus strand). Cytogenetic location: 19p13.13.
Variant type: single nucleotide variant.
Coding change: c.287A>G on transcript NM_001375.3 (MANE Select); coding-DNA position 287, A replaced by G.
Protein change: p.Asn96Ser; replaces asparagine 96 with serine.
Molecular consequence: missense variant.
Genome position (GRCh38, 1-based): chr19:12,880,861, T>C on the plus strand (A>G on the coding strand, the complement: DNASE2 is on the minus strand). VCF-style: chr19-12880861-T-C. GRCh37 (hg19) VCF-style: chr19-12991675-T-C.
Other names: short protein forms N96S.
Identifiers: ClinVar variation 1469761 (VCV001469761.5), dbSNP rs975868958, ClinGen allele CA305498326.

ClinVar aggregate classification (germline): Uncertain significance (1 of 4 stars; one submission).

Allele frequency attached by ClinVar (database versions not stated): gnomAD exomes below 0.00001 and 0.00002; TOPMed below 0.00001.

Submission:

Labcorp Genetics (formerly Invitae), Labcorp
Classification: Uncertain significance. Last evaluated: 2024-02-17. Review status: criteria provided, single submitter. Criteria: Invitae Variant Classification Sherloc (09022015). Collection method: clinical testing. Allele origin: germline.
Comment: This sequence change replaces asparagine, which is neutral and polar, with serine, which is neutral and polar, at codon 96 of the DNASE2 protein (p.Asn96Ser). This variant is present in population databases (no rsID available, gnomAD 0.01%). This variant has not been reported in the literature in individuals affected with DNASE2-related conditions. ClinVar contains an entry for this variant (Variation ID: 1469761). An algorithm developed to predict the effect of missense changes on protein structure and function (PolyPhen-2) suggests that this variant is likely to be disruptive. In summary, the available evidence is currently insufficient to determine the role of this variant in disease. Therefore, it has been classified as a Variant of Uncertain Significance.